The following is an entry in ClinVar:

ClinVar aggregate classification (germline): Uncertain significance (1 of 4 stars; one submission).

Submission:

Dasa
Classification: Uncertain significance. Last evaluated: 2026-04-19. Review status: criteria provided, single submitter. Criteria: DASA Assertion Criteria. Collection method: clinical testing. Allele origin: germline.
Comment: NM_001379291.1(BRD4):c.1330C>G (p.Arg444Gly) is a missense variant that results in the substitution of arginine with glycine. This variant is absent from population databases. The currently available literature and clinical evidence are not sufficient to establish a definitive association between this variant and the reported condition. Therefore, this variant is classified as a variant of uncertain significance.

NM_001379291.1(BRD4):c.1330C>G (p.Arg444Gly)

Gene: BRD4 (bromodomain containing 4; minus strand). Cytogenetic location: 19p13.12.
Variant type: single nucleotide variant.
Coding change: c.1330C>G on transcript NM_001379291.1 (MANE Select); coding-DNA position 1330, C replaced by G.
Protein change: p.Arg444Gly; replaces arginine 444 with glycine.
Molecular consequence: missense variant.
Genome position (GRCh38, 1-based): chr19:15,263,431, G>C on the plus strand (C>G on the coding strand, the complement: BRD4 is on the minus strand). VCF-style: chr19-15263431-G-C. GRCh37 (hg19) VCF-style: chr19-15374242-G-C.
Other names: c.1330C>G, p.Arg444Gly (NM_001379292.1, NM_014299.3, NM_058243.3 and 1 more transcripts); short protein forms R444G.
Identifiers: ClinVar variation 4886133 (VCV004886133.2).